The following is an entry in ClinVar:

NM_020754.4(ARHGAP31):c.1846C>T (p.Arg616Ter)

Gene: ARHGAP31 (Rho GTPase activating protein 31; plus strand). Cytogenetic location: 3q13.33.
Variant type: single nucleotide variant.
Coding change: c.1846C>T on transcript NM_020754.4 (MANE Select); coding-DNA position 1846, C replaced by T.
Protein change: p.Arg616Ter; replaces arginine 616 with a stop codon.
Molecular consequence: nonsense.
Genome position (GRCh38, 1-based): chr3:119,409,696, C>T. VCF-style: chr3-119409696-C-T. GRCh37 (hg19) VCF-style: chr3-119128543-C-T.
Other names: short protein forms R616*.
Identifiers: ClinVar variation 1307144 (VCV001307144.5), dbSNP rs754254146, ClinGen allele CA2553914.

ClinVar aggregate classification (germline): Uncertain significance (1 of 4 stars; one submission).

Allele frequency attached by ClinVar (database versions not stated): gnomAD exomes below 0.00001; TOPMed below 0.00001; ExAC 0.00001.
gnomAD v4.1: 5 of 1,610,404 alleles (0.00031%); highest among the groups gnomAD compares: Middle Eastern, 0.017%; no homozygotes.

Submission:

GeneDx
Classification: Uncertain significance. Last evaluated: 2026-01-09. Review status: criteria provided, single submitter. Criteria: GeneDx Variant Classification Process June 2021. Collection method: clinical testing. Allele origin: germline. Affected: yes.
Comment: Nonsense variant predicted to result in protein truncation or nonsense mediated decay in a gene or region of a gene for which loss of function is not a well-established mechanism of disease; Has not been previously published as pathogenic or benign to our knowledge; Not observed at significant frequency in large population cohorts (gnomAD)